The following is an entry in ClinVar:

NM_172107.4(KCNQ2):c.1764-294C>T

Gene: KCNQ2 (potassium voltage-gated channel subfamily Q member 2; minus strand). Cytogenetic location: 20q13.33.
Variant type: single nucleotide variant.
Coding change: c.1764-294C>T on transcript NM_172107.4 (MANE Select); 294 bases into the intron before coding-DNA position 1764, C replaced by T.
Molecular consequence: intron variant.
Genome position (GRCh38, 1-based): chr20:63,408,830, G>A on the plus strand (C>T on the coding strand, the complement: KCNQ2 is on the minus strand). VCF-style: chr20-63408830-G-A. GRCh37 (hg19) VCF-style: chr20-62040183-G-A.
Other names: c.1680-294C>T (NM_004518.6); c.1671-294C>T (NM_172108.5); c.1710-294C>T (NM_172106.3).
Identifiers: ClinVar variation 669750 (VCV000669750.1), dbSNP rs142360631, ClinGen allele CA317424284.
Genomic context (GRCh38, chr20:63,408,830, plus strand): 5'-CATTAGCGAGGAGTAAAGTAAGGACGCTCCCACCAGGGCCGAGTCGCCCGGCTCCTCTCC[G>A]TGGGCTCCCGGCTCCATACCGCCCCCTCCAGCCAGCCCCACCTGCTCACCCTCTTCCCTG-3'

ClinVar aggregate classification (germline): Likely benign (1 of 4 stars; one submission).

Allele frequency attached by ClinVar (database versions not stated): TOPMed 0.00259; gnomAD 0.00302 and 0.00807; 1000 Genomes Project 30x 0.04107; 1000 Genomes Project 0.04393.
gnomAD v4.1: 1,213 of 152,236 alleles (0.8%); highest among the groups gnomAD compares: South Asian, 15%; 65 homozygotes.

Submission:

GeneDx
Classification: Likely benign. Last evaluated: 2018-06-16. Review status: criteria provided, single submitter. Criteria: GeneDx Variant Classification (06012015). Collection method: clinical testing. Allele origin: germline. Affected: yes.
Comment: This variant is considered likely benign or benign based on one or more of the following criteria: it is a conservative change, it occurs at a poorly conserved position in the protein, it is predicted to be benign by multiple in silico algorithms, and/or has population frequency not consistent with disease.